The following is an entry in ClinVar:

NM_000179.3(MSH6):c.3217_3241del (p.Pro1073fs)

Gene: MSH6 (mutS homolog 6; plus strand). Cytogenetic location: 2p16.3.
Variant type: Deletion.
Coding change: c.3217_3241del on transcript NM_000179.3 (MANE Select); coding-DNA positions 3217 to 3241, 25 bases deleted (CCTATGTGTCGCCCAGTAATTCTGT).
Protein change: p.Pro1073fs; shifts the reading frame from proline 1073.
Molecular consequence: frameshift variant.
Genome position (GRCh38, 1-based): chr2:47,803,464-47,803,488, CCTATGTGTCGCCCAGTAATTCTGT deleted; deleting any 25 consecutive bases within chr2:47,803,462-47,803,488 gives the same sequence; the c. name uses the placement nearest the transcript's 3' end. VCF-style (leftmost placement, unchanged base first): chr2-47803461-GGTCCTATGTGTCGCCCAGTAATTCT-G. GRCh37 (hg19) VCF-style: chr2-48030600-GGTCCTATGTGTCGCCCAGTAATTCT-G.
Other names: c.3313_3337del25, p.Pro1105Cysfs (NM_001406802.1, NM_001406795.1); c.2353_2377del25, p.Pro785Cysfs (NM_001406803.1); c.3139_3163del25, p.Pro1047Cysfs (NM_001406804.1); c.2920_2944del25, p.Pro974Cysfs (NM_001406805.1, NM_001406827.1, NM_001406828.1 and 10 more transcripts); c.2311_2335del25, p.Pro771Cysfs (NM_001406829.1, NM_001406811.1, NM_001406812.1 and 4 more transcripts); c.-3_22del25, p.Met(?_1)_Leu8(?) (NM_001406831.1); c.64_88del25, p.Pro22Cysfs (NM_001406832.1); c.1162_1186del25, p.Pro388Cysfs (NM_001407362.1); and 7 more; short protein forms P1073fs, P771fs, P943fs.
Identifiers: ClinVar variation 1728997 (VCV001728997.2), dbSNP rs2530760292, ClinGen allele CA2580066967.
Genomic context (GRCh38, chr2:47,803,461, plus strand): 5'-TTACCCTCTCTTTTAACAGATGTTTTACTGTGCCTGGCTAACTATAGTCGAGGGGGTGAT[GGTCCTATGTGTCGCCCAGTAATTCT>G]GTTGCCGGAAGATACCCCCCCCTTCTTAGAGCTTAAAGGATCACGCCATCCTTGCATTAC-3'

ClinVar aggregate classification (germline): Pathogenic (1 of 4 stars; one submission).

Conditions:
Hereditary cancer-predisposing syndrome. Also called: Tumor predisposition; Neoplastic Syndromes, Hereditary; Hereditary Cancer Syndrome; Hereditary neoplastic syndrome. Identifiers: Orphanet 140162, MedGen C0027672, MeSH D009386, MONDO:0015356.

Submission:

Ambry Genetics
Classification: Pathogenic for Hereditary cancer-predisposing syndrome. Last evaluated: 2018-01-31. Review status: criteria provided, single submitter. Criteria: Ambry Variant Classification Scheme 2023. Collection method: clinical testing. Allele origin: germline.
Comment: The c.3217_3241del25 pathogenic mutation, located in coding exon 5 of the MSH6 gene, results from a deletion of 25 nucleotides at nucleotide positions 3217 to 3241, causing a translational frameshift with a predicted alternate stop codon (p.P1073Cfs*9). This alteration is expected to result in loss of function by premature protein truncation or nonsense-mediated mRNA decay. As such, this alteration is interpreted as a disease-causing mutation.